The following is an entry in ClinVar:

ClinVar aggregate classification (germline): Pathogenic (1 of 4 stars; one submission).

Conditions:
Familial cancer of breast. Also called: Hereditary breast cancer; hereditary breast carcinoma; BREAST CANCER, FAMILIAL. Identifiers: Orphanet 227535, MedGen C0346153, MONDO:0016419, OMIM 114480. Disease mechanism: loss of function.

Submission:

Labcorp Genetics (formerly Invitae), Labcorp
Classification: Pathogenic for Familial cancer of breast. Last evaluated: 2025-11-09. Review status: criteria provided, single submitter. Criteria: Invitae Variant Classification Sherloc (09022015). Collection method: clinical testing. Allele origin: germline.
Comment: This sequence change creates a premature translational stop signal (p.Trp93Profs*9) in the CHEK2 gene. It is expected to result in an absent or disrupted protein product. Loss-of-function variants in CHEK2 are known to be pathogenic (PMID: 21876083, 24713400). This variant is not present in population databases (gnomAD no frequency). This variant has not been reported in the literature in individuals affected with CHEK2-related conditions. For these reasons, this variant has been classified as Pathogenic.

Literature cited by the submitters: PubMed 21876083; PubMed 24713400.

NM_007194.4(CHEK2):c.277_293del (p.Trp93fs)

Gene: CHEK2 (checkpoint kinase 2; minus strand). Cytogenetic location: 22q12.1.
Variant type: Deletion.
Coding change: c.277_293del on transcript NM_007194.4 (MANE Select); coding-DNA positions 277 to 293, 17 bases deleted (TGGGCTCGATTATGGGC).
Protein change: p.Trp93fs; shifts the reading frame from tryptophan 93.
Molecular consequence: frameshift variant. On other transcripts: 5 prime UTR variant (1), intron variant (1).
Genome position (GRCh38, 1-based): chr22:28,734,429-28,734,445, GCCCATAATCGAGCCCA deleted on the plus strand (TGGGCTCGATTATGGGC on the coding strand, the reverse complement: CHEK2 is on the minus strand); deleting any 17 consecutive bases within chr22:28,734,429-28,734,446 gives the same sequence; the c. name uses the placement nearest the transcript's 3' end. VCF-style (leftmost placement, unchanged base first): chr22-28734428-GGCCCATAATCGAGCCCA-G. GRCh37 (hg19) VCF-style: chr22-29130416-GGCCCATAATCGAGCCCA-G.
Other names: c.277_293del, p.Trp93fs (NM_001005735.3, NM_001349956.3, NM_001438293.1 and 3 more transcripts); c.-501_-485del (NM_001257387.3); c.-345+7324_-345+7340del (NM_001437942.1); short protein forms W93fs.
Identifiers: ClinVar variation 4730794 (VCV004730794.1).